The following is an entry in ClinVar:

NM_001135629.3(PPP1R21):c.1357C>A (p.His453Asn)

Gene: PPP1R21 (protein phosphatase 1 regulatory subunit 21; plus strand). Cytogenetic location: 2p16.3.
Variant type: single nucleotide variant.
Coding change: c.1357C>A on transcript NM_001135629.3 (MANE Select); coding-DNA position 1357, C replaced by A.
Protein change: p.His453Asn; replaces histidine 453 with asparagine.
Molecular consequence: missense variant. On other transcripts: non-coding transcript variant (1).
Genome position (GRCh38, 1-based): chr2:48,486,669, C>A. VCF-style: chr2-48486669-C-A. GRCh37 (hg19) VCF-style: chr2-48713808-C-A.
Other names: c.1357C>A, p.His453Asn (NM_001193475.2, NM_152994.5); short protein forms H453N.
Identifiers: ClinVar variation 2650894 (VCV002650894.24), dbSNP rs200165146, ClinGen allele CA346759643.

ClinVar aggregate classification (germline): Uncertain significance (1 of 4 stars; one submission).

Submission:

CeGaT Center for Human Genetics Tuebingen
Classification: Uncertain significance. Last evaluated: 2023-09-01. Review status: criteria provided, single submitter. Criteria: CeGaT Center For Human Genetics Tuebingen Variant Classification Criteria Version 2. Collection method: clinical testing. Allele origin: germline. Affected: yes. Observed: 1 variant allele.
Comment: PPP1R21: PM2, PS2:Supporting